The following is an entry in ClinVar:

ClinVar aggregate classification (germline): Benign. Review status: criteria provided, multiple submitters, no conflicts (2 of 4 stars). 3 submissions from 3 submitters: Benign (2). 1 of the submissions does not count toward it. Last evaluated 2026-02-01.

Conditions:
NFATC1-related disorder. Also called: NFATC1-related condition.

Allele frequency attached by ClinVar (database versions not stated): gnomAD 0.07673 and 0.07897; ESP Exome Variant Server 0.07959; gnomAD exomes 0.08647; ExAC 0.08553; 1000 Genomes Project 30x 0.04638; 1000 Genomes Project 0.04673; TOPMed 0.07329.
gnomAD v4.1: 164,118 of 1,612,290 alleles (10%); highest among the groups gnomAD compares: Admixed American, 12%; 9,767 homozygotes.

Submissions (3):

Labcorp Genetics (formerly Invitae), Labcorp
Classification: Benign. Last evaluated: 2026-02-01. Review status: criteria provided, single submitter. Criteria: Invitae Variant Classification Sherloc (09022015). Collection method: clinical testing. Allele origin: germline.

Breakthrough Genomics
Classification: Benign. Review status: criteria provided, single submitter. Criteria: ACMG Guidelines, 2015. Collection method: not provided. Allele origin: germline. Inheritance: Unknown mechanism. Affected: yes.

PreventionGenetics, part of Exact Sciences
Classification: Benign for NFATC1-related condition. Last evaluated: 2024-05-25. Review status: no assertion criteria provided. Collection method: clinical testing. Allele origin: germline. Not counted in ClinVar's aggregate classification.
Comment: This variant is classified as benign based on ACMG/AMP sequence variant interpretation guidelines (Richards et al. 2015 PMID: 25741868, with internal and published modifications).

NM_001278669.2(NFATC1):c.202C>A (p.Pro68Thr)

Gene: NFATC1 (nuclear factor of activated T cells 1; plus strand). Cytogenetic location: 18q23.
Variant type: single nucleotide variant.
Coding change: c.202C>A on transcript NM_001278669.2 (MANE Select); coding-DNA position 202, C replaced by A.
Protein change: p.Pro68Thr; replaces proline 68 with threonine.
Molecular consequence: missense variant. On other transcripts: intron variant (2).
Genome position (GRCh38, 1-based): chr18:79,410,477, C>A. VCF-style: chr18-79410477-C-A. GRCh37 (hg19) VCF-style: chr18-77170477-C-A.
Other names: c.163C>A, p.Pro55Thr (NM_001278675.2, NM_172387.3, NM_172389.3 and 1 more transcripts); c.202C>A, p.Pro68Thr (NM_006162.5, NM_172390.3, NM_001278670.2); c.-191+14126C>A (NM_172388.3); c.-191+9998C>A (NM_001278673.2); c.202C>A (NM_001278669.1); short protein forms P55T, P68T.
Identifiers: ClinVar variation 1659336 (VCV001659336.11), dbSNP rs1051978, ClinGen allele CA9008767.